The following is an entry in ClinVar:

NM_152703.5(SAMD9L):c.1811T>C (p.Leu604Pro)

Gene: SAMD9L (sterile alpha motif domain containing 9 like; minus strand). Cytogenetic location: 7q21.2.
Variant type: single nucleotide variant.
Coding change: c.1811T>C on transcript NM_152703.5 (MANE Select); coding-DNA position 1811, T replaced by C.
Protein change: p.Leu604Pro; replaces leucine 604 with proline.
Molecular consequence: missense variant.
Genome position (GRCh38, 1-based): chr7:93,134,161, A>G on the plus strand (T>C on the coding strand, the complement: SAMD9L is on the minus strand). VCF-style: chr7-93134161-A-G. GRCh37 (hg19) VCF-style: chr7-92763474-A-G.
Other names: c.1811T>C, p.Leu604Pro (NM_001303496.3, NM_001303497.3, NM_001303498.3 and 5 more transcripts); c.1811T>C (NM_152703.2); short protein forms L604P.
Identifiers: ClinVar variation 3615073 (VCV003615073.3).

ClinVar aggregate classification (germline): Uncertain significance. Review status: criteria provided, multiple submitters, no conflicts (2 of 4 stars). 2 submissions from 2 submitters: Uncertain significance (2). Last evaluated 2026-03-15.

Conditions:
Inborn genetic diseases. Identifiers: MedGen C0950123, MeSH D030342.

gnomAD v4.1: 1 of 1,613,618 alleles (0.000062%); highest among the groups gnomAD compares: East Asian, 0.0022%; no homozygotes.

Submissions (2):

Ambry Genetics
Classification: Uncertain significance for Inborn genetic diseases. Last evaluated: 2026-03-15. Review status: criteria provided, single submitter. Criteria: Ambry Variant Classification Scheme 2023. Collection method: clinical testing. Allele origin: germline.
Comment: The p.L604P variant (also known as c.1811T>C), located in coding exon 1 of the SAMD9L gene, results from a T to C substitution at nucleotide position 1811. The leucine at codon 604 is replaced by proline, an amino acid with similar properties. This amino acid position is conserved. In addition, this alteration is predicted to be deleterious by in silico analysis. Based on the available evidence, the clinical significance of this variant remains unclear.

Labcorp Genetics (formerly Invitae), Labcorp
Classification: Uncertain significance. Last evaluated: 2024-03-20. Review status: criteria provided, single submitter. Criteria: Invitae Variant Classification Sherloc (09022015). Collection method: clinical testing. Allele origin: germline.
Comment: This sequence change replaces leucine, which is neutral and non-polar, with proline, which is neutral and non-polar, at codon 604 of the SAMD9L protein (p.Leu604Pro). This variant is not present in population databases (gnomAD no frequency). This variant has not been reported in the literature in individuals affected with SAMD9L-related conditions. Advanced modeling of protein sequence and biophysical properties (such as structural, functional, and spatial information, amino acid conservation, physicochemical variation, residue mobility, and thermodynamic stability) has been performed at Invitae for this missense variant, however the output from this modeling did not meet the statistical confidence thresholds required to predict the impact of this variant on SAMD9L protein function. In summary, the available evidence is currently insufficient to determine the role of this variant in disease. Therefore, it has been classified as a Variant of Uncertain Significance.